The following is an entry in ClinVar:

ClinVar aggregate classification (germline): Uncertain significance (1 of 4 stars; one submission).

Submission:

Athena Diagnostics
Classification: Uncertain significance. Last evaluated: 2024-04-17. Review status: criteria provided, single submitter. Criteria: Athena Diagnostics Criteria. Collection method: clinical testing. Allele origin: unknown.
Comment: Available data are insufficient to determine the clinical significance of the variant at this time. This variant has not been reported in large, multi-ethnic general populations. Computational tools disagree on the variant's effect on normal protein function.

NM_018109.4(MTPAP):c.1141A>G (p.Thr381Ala)

Gene: MTPAP (mitochondrial poly(A) polymerase; minus strand). Cytogenetic location: 10p11.23.
Variant type: single nucleotide variant.
Coding change: c.1141A>G on transcript NM_018109.4 (MANE Select); coding-DNA position 1141, A replaced by G.
Protein change: p.Thr381Ala; replaces threonine 381 with alanine.
Molecular consequence: missense variant.
Genome position (GRCh38, 1-based): chr10:30,322,469, T>C on the plus strand (A>G on the coding strand, the complement: MTPAP is on the minus strand). VCF-style: chr10-30322469-T-C. GRCh37 (hg19) VCF-style: chr10-30611398-T-C.
Other names: short protein forms T381A.
Identifiers: ClinVar variation 3571667 (VCV003571667.1).